The following is an entry in ClinVar:

ClinVar aggregate classification (germline): Benign. Review status: criteria provided, single submitter (1 of 4 stars). 2 submissions from 2 submitters: Benign (1). 1 of the submissions does not count toward it. Last evaluated 2024-03-16.

Conditions:
Niemann-Pick disease, type A. Also called: SPHINGOMYELIN LIPIDOSIS; SPHINGOMYELINASE DEFICIENCY; Infantile Neurovisceral ASMD (Niemann-Pick Disease Type A; NPD-A). Identifiers: Orphanet 77292, MedGen C0268242, MONDO:0009756, OMIM 257200. Disease mechanism: loss of function.
Niemann-Pick disease, type B. Also called: Chronic Visceral ASMD (Niemann-Pick Disease Type B; NPD-B). Identifiers: Orphanet 77293, MedGen C0268243, MONDO:0011871, OMIM 607616. Disease mechanism: loss of function.
SMPD1-related disorder. Also called: SMPD1-related condition.

Allele frequency attached by ClinVar (database versions not stated): TOPMed 0.00003; gnomAD exomes 0.00011 and 0.00027; ExAC 0.00019; gnomAD 0.00022 and 0.00023.

Submissions (2):

Labcorp Genetics (formerly Invitae), Labcorp
Classification: Benign for Niemann-Pick disease, type B; Niemann-Pick disease, type A. Last evaluated: 2024-03-16. Review status: criteria provided, single submitter. Criteria: Invitae Variant Classification Sherloc (09022015). Collection method: clinical testing. Allele origin: germline.

PreventionGenetics, part of Exact Sciences
Classification: Likely benign for SMPD1-related condition. Last evaluated: 2021-05-20. Review status: no assertion criteria provided. Collection method: clinical testing. Allele origin: germline. Not counted in ClinVar's aggregate classification.
Comment: This variant is classified as likely benign based on ACMG/AMP sequence variant interpretation guidelines (Richards et al. 2015 PMID: 25741868, with internal and published modifications).

NM_000543.5(SMPD1):c.1626A>C (p.Arg542=)

Gene: SMPD1 (sphingomyelin phosphodiesterase 1; plus strand). Cytogenetic location: 11p15.4.
Variant type: single nucleotide variant.
Coding change: c.1626A>C on transcript NM_000543.5 (MANE Select); coding-DNA position 1626, A replaced by C.
Protein change: p.Arg542=; no amino-acid change (arginine 542 retained).
Molecular consequence: synonymous variant. On other transcripts: 3 prime UTR variant (1), non-coding transcript variant (2).
Genome position (GRCh38, 1-based): chr11:6,394,337, A>C. VCF-style: chr11-6394337-A-C. GRCh37 (hg19) VCF-style: chr11-6415567-A-C.
Other names: c.1626A>C (NM_000543.4); c.1623A>C, p.Arg541= (NM_001007593.3); c.*119A>C (NM_001318087.2); c.705A>C, p.Arg235= (NM_001318088.2); c.1494A>C, p.Arg498= (NM_001365135.2).
Identifiers: ClinVar variation 1167663 (VCV001167663.11), dbSNP rs774163596, ClinGen allele CA5852948.